The following is an entry in ClinVar:

NM_001148.6(ANK2):c.4658A>G (p.Glu1553Gly)

Gene: ANK2 (ankyrin 2; plus strand). Cytogenetic location: 4q26.
Variant type: single nucleotide variant.
Coding change: c.4658A>G on transcript NM_001148.6 (MANE Select); coding-DNA position 4658, A replaced by G.
Protein change: p.Glu1553Gly; replaces glutamic acid 1553 with glycine.
Molecular consequence: missense variant. On other transcripts: intron variant (68).
Genome position (GRCh38, 1-based): chr4:113,353,276, A>G. VCF-style: chr4-113353276-A-G. GRCh37 (hg19) VCF-style: chr4-114274432-A-G.
Other names: c.4424A>G, p.Glu1475Gly (NM_001386142.1); c.1058A>G, p.Glu353Gly (NM_001386166.1); c.4799A>G, p.Glu1600Gly (NM_001386174.1); c.4775A>G, p.Glu1592Gly (NM_001386175.1); c.4411+3027A>G (NM_001386186.2, NM_001386148.2); c.4213+3027A>G (NM_001354269.3); c.4291+3027A>G (NM_001386187.2); c.4252+3027A>G (NM_001386147.1); and 35 more; short protein forms E353G, E1475G, E1553G, E1592G, E1600G.
Identifiers: ClinVar variation 2328876 (VCV002328876.5), dbSNP rs1588891897, ClinGen allele CA357915282.

ClinVar aggregate classification (germline): Uncertain significance. Review status: criteria provided, multiple submitters, no conflicts (2 of 4 stars). 2 submissions from 2 submitters: Uncertain significance (2). Last evaluated 2023-05-06.

Conditions:
Long QT syndrome (LQTS). Identifiers: MedGen C0023976, MeSH D008133, MONDO:0002442. Disease mechanism: loss of function. Inheritance: Various modes of inheritance.
Cardiovascular phenotype. Identifiers: MedGen CN230736.

Allele frequency attached by ClinVar (database versions not stated): gnomAD exomes below 0.00001.
gnomAD v4.1: 2 of 1,613,876 alleles (0.00012%); highest among the groups gnomAD compares: South Asian, 0.0011%; no homozygotes.

Submissions (2):

Labcorp Genetics (formerly Invitae), Labcorp
Classification: Uncertain significance for Long QT syndrome. Last evaluated: 2023-05-06. Review status: criteria provided, single submitter. Criteria: Invitae Variant Classification Sherloc (09022015). Collection method: clinical testing. Allele origin: germline.
Comment: This sequence change replaces glutamic acid, which is acidic and polar, with glycine, which is neutral and non-polar, at codon 1553 of the ANK2 protein (p.Glu1553Gly). This variant is not present in population databases (gnomAD no frequency). In summary, the available evidence is currently insufficient to determine the role of this variant in disease. Therefore, it has been classified as a Variant of Uncertain Significance. Advanced modeling of protein sequence and biophysical properties (such as structural, functional, and spatial information, amino acid conservation, physicochemical variation, residue mobility, and thermodynamic stability) performed at Invitae indicates that this missense variant is expected to disrupt ANK2 protein function. ClinVar contains an entry for this variant (Variation ID: 2328876). This variant has not been reported in the literature in individuals affected with ANK2-related conditions.

Ambry Genetics
Classification: Uncertain significance for Cardiovascular phenotype. Last evaluated: 2022-11-21. Review status: criteria provided, single submitter. Criteria: Ambry Variant Classification Scheme 2023. Collection method: clinical testing. Allele origin: germline.